The following is an entry in ClinVar:

NM_017654.4(SAMD9):c.1482C>A (p.Cys494Ter)

Gene: SAMD9 (sterile alpha motif domain containing 9; minus strand). Cytogenetic location: 7q21.2.
Variant type: single nucleotide variant.
Coding change: c.1482C>A on transcript NM_017654.4 (MANE Select); coding-DNA position 1482, C replaced by A.
Protein change: p.Cys494Ter; replaces cysteine 494 with a stop codon.
Molecular consequence: nonsense.
Genome position (GRCh38, 1-based): chr7:93,104,616, G>T on the plus strand (C>A on the coding strand, the complement: SAMD9 is on the minus strand). VCF-style: chr7-93104616-G-T. GRCh37 (hg19) VCF-style: chr7-92733929-G-T.
Other names: c.1482C>A (NM_017654.3); c.1482C>A, p.Cys494Ter (NM_001193307.2); short protein forms C494*.
Identifiers: ClinVar variation 2908620 (VCV002908620.5), dbSNP rs770283908, ClinGen allele CA4342970.
Genomic context (GRCh38, chr7:93,104,616, plus strand): 5'-TTGCCAGGAACTTGGATCAAAGGGTTTATATTTTTCACTGTCAAGGTCTAACCTGCCATT[G>T]CAGAAAATCCAGCTGGGTTGATGGTAAAGATTTAGAGTAGAAATCGTCTCATTTGGTGTG-3'

ClinVar aggregate classification (germline): Uncertain significance. Review status: criteria provided, multiple submitters, no conflicts (2 of 4 stars). 3 submissions from 3 submitters: Uncertain significance (3). Last evaluated 2025-11-11.

Conditions:
SAMD9-related disorder. Also called: SAMD9-related condition.

Allele frequency attached by ClinVar (database versions not stated): ExAC 0.00001; gnomAD 0.00001; gnomAD exomes 0.00001; TOPMed 0.00001.
gnomAD v4.1: 17 of 1,613,880 alleles (0.0011%); highest among the groups gnomAD compares: Non-Finnish European, 0.0014%; no homozygotes.

Submissions (3):

PreventionGenetics, part of Exact Sciences
Classification: Uncertain significance for SAMD9-related condition. Last evaluated: 2025-11-11. Review status: criteria provided, single submitter. Criteria: ACMG Guidelines, 2015. Collection method: clinical testing. Allele origin: germline.
Comment: The SAMD9 c.1482C>A variant is predicted to result in premature protein termination (p.Cys494*). This variant has been reported in an individual with sepsis (Table S4, Borghesi et al. 2020. PubMed ID: 32185379). This variant is reported in 0.0044% of alleles in individuals of European (Non-Finnish) descent in gnomAD. Loss of function has not been conclusively established as a mechanism for SAMD9-related disorders. Although we suspect that this variant may be pathogenic, at this time, the clinical significance of this variant is uncertain due to the absence of conclusive functional and genetic evidence.

Labcorp Genetics (formerly Invitae), Labcorp
Classification: Uncertain significance. Last evaluated: 2024-01-25. Review status: criteria provided, single submitter. Criteria: Invitae Variant Classification Sherloc (09022015). Collection method: clinical testing. Allele origin: germline.
Comment: This sequence change creates a premature translational stop signal (p.Cys494*) in the SAMD9 gene. While this is not anticipated to result in nonsense mediated decay, it is expected to disrupt the last 1096 amino acid(s) of the SAMD9 protein. This variant is present in population databases (rs770283908, gnomAD 0.004%). This variant has not been reported in the literature in individuals affected with SAMD9-related conditions. In summary, the available evidence is currently insufficient to determine the role of this variant in disease. Therefore, it has been classified as a Variant of Uncertain Significance.

GeneDx
Classification: Uncertain significance. Last evaluated: 2023-09-22. Review status: criteria provided, single submitter. Criteria: GeneDx Variant Classification Process June 2021. Collection method: clinical testing. Allele origin: germline. Affected: yes.
Comment: Not observed at significant frequency in large population cohorts (gnomAD); Nonsense variant predicted to result in protein truncation as the last 1096 amino acids are lost in a gene for which loss-of-function is not an established mechanism of disease; Observed in a child suspected to have a primary immunodeficiency (Borghesi et al., 2020); This variant is associated with the following publications: (PMID: 32185379)